The following is an entry in ClinVar:

ClinVar aggregate classification (germline): Uncertain significance (1 of 4 stars; one submission).

Conditions:
Bethlem myopathy 1A. Also called: Bethlem myopathy 1; Bethlem Muscular Dystrophy; MYOPATHY, BENIGN CONGENITAL, WITH CONTRACTURES. Identifiers: Orphanet 610, MedGen CN029274, MONDO:0024530, OMIM 158810.

gnomAD v4.1: 1 of 1,614,182 alleles (0.000062%); highest among the groups gnomAD compares: Non-Finnish European, 0.000085%; no homozygotes.

Submission:

Labcorp Genetics (formerly Invitae), Labcorp
Classification: Uncertain significance for Bethlem myopathy 1A. Last evaluated: 2021-11-27. Review status: criteria provided, single submitter. Criteria: Invitae Variant Classification Sherloc (09022015). Collection method: clinical testing. Allele origin: germline.
Comment: In summary, the available evidence is currently insufficient to determine the role of this variant in disease. Therefore, it has been classified as a Variant of Uncertain Significance. Advanced modeling of protein sequence and biophysical properties (such as structural, functional, and spatial information, amino acid conservation, physicochemical variation, residue mobility, and thermodynamic stability) performed at Invitae indicates that this missense variant is not expected to disrupt COL6A3 protein function. This variant has not been reported in the literature in individuals affected with COL6A3-related conditions. This variant is not present in population databases (gnomAD no frequency). This sequence change replaces aspartic acid, which is acidic and polar, with valine, which is neutral and non-polar, at codon 1004 of the COL6A3 protein (p.Asp1004Val).

NM_004369.4(COL6A3):c.3011A>T (p.Asp1004Val)

Gene: COL6A3 (collagen type VI alpha 3 chain; minus strand). Cytogenetic location: 2q37.3.
Variant type: single nucleotide variant.
Coding change: c.3011A>T on transcript NM_004369.4 (MANE Select); coding-DNA position 3011, A replaced by T.
Protein change: p.Asp1004Val; replaces aspartic acid 1004 with valine.
Molecular consequence: missense variant.
Genome position (GRCh38, 1-based): chr2:237,376,831, T>A on the plus strand (A>T on the coding strand, the complement: COL6A3 is on the minus strand). VCF-style: chr2-237376831-T-A. GRCh37 (hg19) VCF-style: chr2-238285474-T-A.
Other names: c.1790A>T, p.Asp597Val (NM_057164.5); c.2393A>T, p.Asp798Val (NM_057165.5, NM_057167.4); c.1190A>T, p.Asp397Val (NM_057166.5); short protein forms D1004V, D798V, D397V, D597V.
Identifiers: ClinVar variation 1505987 (VCV001505987.6), dbSNP rs1194314017, ClinGen allele CA351206979.